The following is an entry in ClinVar:

ClinVar aggregate classification (germline): Pathogenic (1 of 4 stars; one submission).

Conditions:
Wilms tumor 1 (WT1). Also called: Wilms tumor, somatic. Identifiers: Orphanet 654, MedGen CN033288, MONDO:0008679, OMIM 194070.

Submission:

Labcorp Genetics (formerly Invitae), Labcorp
Classification: Pathogenic for Wilms tumor 1. Last evaluated: 2022-08-29. Review status: criteria provided, single submitter. Criteria: Invitae Variant Classification Sherloc (09022015). Collection method: clinical testing. Allele origin: germline.
Comment: This sequence change creates a premature translational stop signal (p.Phe111Serfs*27) in the GPC3 gene. It is expected to result in an absent or disrupted protein product. Loss-of-function variants in GPC3 are known to be pathogenic (PMID: 10402475, 12713262, 17603795). This variant is not present in population databases (gnomAD no frequency). This variant has not been reported in the literature in individuals affected with GPC3-related conditions. For these reasons, this variant has been classified as Pathogenic.

Literature cited by the submitters: PubMed 10402475; PubMed 12713262; PubMed 17603795.

NM_004484.4(GPC3):c.332del (p.Phe111fs)

Gene: GPC3 (glypican 3; minus strand). Cytogenetic location: Xq26.2.
Variant type: Deletion.
Coding change: c.332del on transcript NM_004484.4 (MANE Select); coding-DNA position 332, one base deleted (T; older notation c.332delT).
Protein change: p.Phe111fs; shifts the reading frame from phenylalanine 111.
Molecular consequence: frameshift variant. On other transcripts: intron variant (2).
Genome position (GRCh38, 1-based): chrX:133,953,055, A deleted on the plus strand (T on the coding strand, the reverse complement: GPC3 is on the minus strand); the first of 4 consecutive A bases (chrX:133,953,055-133,953,058); deleting any one gives the same sequence. VCF-style (leftmost placement, unchanged base first): chrX-133953054-GA-G. GRCh37 (hg19) VCF-style: chrX-133087081-GA-G.
Other names: c.332del, p.Phe111fs (NM_001164617.2); c.175+32220del (NM_001164619.2); c.289+43del (NM_001164618.2); short protein forms F111fs.
Identifiers: ClinVar variation 2027782 (VCV002027782.4), dbSNP rs2521895087, ClinGen allele CA2580101537.
Genomic context (GRCh38, chrX:133,953,054, plus strand): 5'-GTGCCCAAATAATGATGCCACTAAGCAGCACATCTAAAATAATCCCCAGAACTCACCTTG[GA>G]AAACCGCAGCATTCTGAATAATTAAGAACTTGAGCTCCATACTTGCAGACTGAAGCAGCT-3'